The following is an entry in ClinVar:

NM_001852.4(COL9A2):c.710C>A (p.Pro237Gln)

Gene: COL9A2 (collagen type IX alpha 2 chain; minus strand). Cytogenetic location: 1p34.2.
Variant type: single nucleotide variant.
Coding change: c.710C>A on transcript NM_001852.4 (MANE Select); coding-DNA position 710, C replaced by A.
Protein change: p.Pro237Gln; replaces proline 237 with glutamine.
Molecular consequence: missense variant.
Genome position (GRCh38, 1-based): chr1:40,310,292, G>T on the plus strand (C>A on the coding strand, the complement: COL9A2 is on the minus strand). VCF-style: chr1-40310292-G-T. GRCh37 (hg19) VCF-style: chr1-40775964-G-T.
Other names: short protein forms P237Q.
Identifiers: ClinVar variation 3633536 (VCV003633536.2).
Genomic context (GRCh38, chr1:40,310,292, plus strand): 5'-AGCTCTTGTAGAACACCCCAAGATTCACTTACCGTCTCTCCCTTGGGCCCTGCCATGCCT[G>T]GGTAGCCCCTGATGCCCTGGGGACCCTGTTGAGAAAGAAAAATGACAGCAATGGCAATTG-3'
Protein context (NP_001843.1, residues 227-247): PPGPQGIRGY[Pro237Gln]GMAGPKGETG

ClinVar aggregate classification (germline): Uncertain significance (1 of 4 stars; one submission).

Submission:

Labcorp Genetics (formerly Invitae), Labcorp
Classification: Uncertain significance. Last evaluated: 2024-02-01. Review status: criteria provided, single submitter. Criteria: Invitae Variant Classification Sherloc (09022015). Collection method: clinical testing. Allele origin: germline.
Comment: This sequence change replaces proline, which is neutral and non-polar, with glutamine, which is neutral and polar, at codon 237 of the COL9A2 protein (p.Pro237Gln). This variant is not present in population databases (gnomAD no frequency). This variant has not been reported in the literature in individuals affected with COL9A2-related conditions. Advanced modeling of protein sequence and biophysical properties (such as structural, functional, and spatial information, amino acid conservation, physicochemical variation, residue mobility, and thermodynamic stability) performed at Invitae indicates that this missense variant is not expected to disrupt COL9A2 protein function with a negative predictive value of 95%. In summary, the available evidence is currently insufficient to determine the role of this variant in disease. Therefore, it has been classified as a Variant of Uncertain Significance.